The following is an entry in ClinVar:

ClinVar aggregate classification (germline): Uncertain significance (1 of 4 stars; one submission).

Conditions:
Arrhythmogenic right ventricular dysplasia 8 (ARVD8). Also called: Arrhythmogenic Right Ventricular Dysplasia/Cardiomyopathy 8; ARRHYTHMOGENIC RIGHT VENTRICULAR DYSPLASIA, FAMILIAL, 8; ARRHYTHMOGENIC RIGHT VENTRICULAR CARDIOMYOPATHY 8. Identifiers: MedGen C1843896, MONDO:0011831, OMIM 607450.
Arrhythmogenic cardiomyopathy with wooly hair and keratoderma. Also called: Dilated cardiomyopathy with woolly hair and keratoderma; Carvajal syndrome; Arrhythmogenic cardiomyopathy with woolly hair and keratoderma; PALMOPLANTAR KERATODERMA WITH LEFT VENTRICULAR CARDIOMYOPATHY AND WOOLLY HAIR. Identifiers: Orphanet 65282, MedGen C1854063, MONDO:0011581, OMIM 605676.

Submission:

Labcorp Genetics (formerly Invitae), Labcorp
Classification: Uncertain significance for Arrhythmogenic cardiomyopathy with wooly hair and keratoderma; Arrhythmogenic right ventricular dysplasia 8. Last evaluated: 2023-12-03. Review status: criteria provided, single submitter. Criteria: Invitae Variant Classification Sherloc (09022015). Collection method: clinical testing. Allele origin: germline.
Comment: This sequence change replaces glutamic acid, which is acidic and polar, with lysine, which is basic and polar, at codon 858 of the DSP protein (p.Glu858Lys). This variant is not present in population databases (gnomAD no frequency). This variant has not been reported in the literature in individuals affected with DSP-related conditions. ClinVar contains an entry for this variant (Variation ID: 1523760). An algorithm developed to predict the effect of missense changes on protein structure and function (PolyPhen-2) suggests that this variant is likely to be tolerated. In summary, the available evidence is currently insufficient to determine the role of this variant in disease. Therefore, it has been classified as a Variant of Uncertain Significance.

NM_004415.4(DSP):c.2572G>A (p.Glu858Lys)

Gene: DSP (desmoplakin; plus strand). Cytogenetic location: 6p24.3.
Variant type: single nucleotide variant.
Coding change: c.2572G>A on transcript NM_004415.4 (MANE Select); coding-DNA position 2572, G replaced by A.
Protein change: p.Glu858Lys; replaces glutamic acid 858 with lysine.
Molecular consequence: missense variant.
Genome position (GRCh38, 1-based): chr6:7,575,430, G>A. VCF-style: chr6-7575430-G-A. GRCh37 (hg19) VCF-style: chr6-7575663-G-A.
Other names: c.2572G>A, p.Glu858Lys (NM_001008844.3, NM_001319034.2); short protein forms E858K.
Identifiers: ClinVar variation 1523760 (VCV001523760.8), dbSNP rs1759209717, ClinGen allele CA362681636.
Genomic context (GRCh38, chr6:7,575,430, plus strand): 5'-ATCCACTCTCAGACTTCACAGCAGTATCCACTTTATGATCTGGACTTGGGCAAGTTCGGT[G>A]AAAAAGTCACACAGCTGACAGACCGCTGGCAAAGGATAGATAAACAGATCGACTTTAGGT-3'
Protein context (NP_004406.2, residues 848-868): LYDLDLGKFG[Glu858Lys]KVTQLTDRWQ